The following is an entry in ClinVar:

NM_020921.4(NIN):c.184-3T>A

Gene: NIN (ninein; minus strand). Cytogenetic location: 14q22.1.
Variant type: single nucleotide variant.
Coding change: c.184-3T>A on transcript NM_020921.4 (MANE Select); 3 bases into the intron before coding-DNA position 184, T replaced by A.
Molecular consequence: intron variant.
Genome position (GRCh38, 1-based): chr14:50,806,821, A>T on the plus strand (T>A on the coding strand, the complement: NIN is on the minus strand). VCF-style: chr14-50806821-A-T. GRCh37 (hg19) VCF-style: chr14-51273539-A-T.
Other names: c.184-3T>A (NM_016350.5, NM_182946.2, NM_182944.3).
Identifiers: ClinVar variation 3611676 (VCV003611676.2).

ClinVar aggregate classification (germline): Uncertain significance (1 of 4 stars; one submission).

gnomAD v4.1: 11 of 1,327,276 alleles (0.00083%); highest among the groups gnomAD compares: Non-Finnish European, 0.0011%; no homozygotes.

Submission:

Labcorp Genetics (formerly Invitae), Labcorp
Classification: Uncertain significance. Last evaluated: 2024-09-29. Review status: criteria provided, single submitter. Criteria: Invitae Variant Classification Sherloc (09022015). Collection method: clinical testing. Allele origin: germline.
Comment: This sequence change falls in intron 3 of the NIN gene. It does not directly change the encoded amino acid sequence of the NIN protein. It affects a nucleotide within the consensus splice site. This variant is present in population databases (no rsID available, gnomAD 0.001%). This variant has not been reported in the literature in individuals affected with NIN-related conditions. Variants that disrupt the consensus splice site are a relatively common cause of aberrant splicing (PMID: 17576681, 9536098). Algorithms developed to predict the effect of sequence changes on RNA splicing suggest that this variant is not likely to affect RNA splicing. In summary, the available evidence is currently insufficient to determine the role of this variant in disease. Therefore, it has been classified as a Variant of Uncertain Significance.

Literature cited by the submitters: PubMed 17576681; PubMed 9536098.